The following is an entry in ClinVar:

NM_152564.5(VPS13B):c.11071G>A (p.Ala3691Thr)

Gene: VPS13B (vacuolar protein sorting 13 homolog B; plus strand). Cytogenetic location: 8q22.2.
Variant type: single nucleotide variant.
Coding change: c.11071G>A on transcript NM_152564.5 (MANE Select); coding-DNA position 11071, G replaced by A.
Protein change: p.Ala3691Thr; replaces alanine 3691 with threonine.
Molecular consequence: missense variant.
Genome position (GRCh38, 1-based): chr8:99,861,802, G>A. VCF-style: chr8-99861802-G-A. GRCh37 (hg19) VCF-style: chr8-100874030-G-A.
Other names: c.11071G>A (NM_152564.4); c.11146G>A, p.Ala3716Thr (NM_017890.5); short protein forms A3691T.
Identifiers: ClinVar variation 95826 (VCV000095826.96), dbSNP rs142476821, ClinGen allele CA148910.

ClinVar aggregate classification (germline): Benign/Likely benign. Review status: criteria provided, multiple submitters, no conflicts (2 of 4 stars). 19 submissions from 19 submitters: Benign (5); Likely benign (7). 7 of the submissions do not count toward it. Last evaluated 2026-09-01.

Conditions:
VPS13B-related disorder. Also called: VPS13B-related condition.
Inborn genetic diseases. Identifiers: MedGen C0950123, MeSH D030342.
Cohen syndrome (COH1). Also called: PEPPER SYNDROME; Cutis verticis gyrata, retinitis pigmentosa, and sensorineural deafness. Identifiers: Orphanet 193, MedGen C0265223, MONDO:0008999, OMIM 216550.
Intellectual disability. Also called: Intellectual functioning disability; Intellectual developmental disorder; intellectual disabilities. Identifiers: MedGen C3714756, MeSH D008607, MONDO:0001071, HP:0001249.

Allele frequency attached by ClinVar (database versions not stated): 1000 Genomes Project 0.00160; gnomAD 0.00312; gnomAD exomes 0.00575 and 0.00246; 1000 Genomes Project 30x 0.00141; TOPMed 0.00346; ESP Exome Variant Server 0.00385; ExAC 0.00410.
gnomAD v4.1: 8,766 of 1,597,778 alleles (0.55%); highest among the groups gnomAD compares: Non-Finnish European, 0.69%; 39 homozygotes.

Submissions (19):

CeGaT Center for Human Genetics Tuebingen
Classification: Likely benign. Last evaluated: 2026-09-01. Review status: criteria provided, single submitter. Criteria: CeGaT Center For Human Genetics Tuebingen Variant Classification Criteria Version 2. Collection method: clinical testing. Allele origin: germline. Affected: yes. Observed: 13 variant alleles.
Comment: VPS13B: BS2

Women's Health and Genetics/Laboratory Corporation of America, LabCorp
Classification: Likely benign. Last evaluated: 2026-02-13. Review status: criteria provided, single submitter. Criteria: LabCorp Variant Classification Summary - May 2015. Collection method: clinical testing. Allele origin: germline.
Comment: Variant summary: VPS13B c.11146G>A (p.Ala3716Thr) results in a non-conservative amino acid change in the encoded protein sequence. Algorithms developed to predict the effect of missense changes on protein structure and function are either unavailable or do not agree on the potential impact of this missense change. The variant allele was found at a frequency of 0.0025 in 221998 control chromosomes, predominantly at a frequency of 0.0045 within the Non-Finnish European subpopulation in the gnomAD database, including 4 homozygotes. The observed variant frequency within Non-Finnish European control individuals in the gnomAD database exceeds the estimated maximal expected allele frequency for disease-causing variants in VPS13B. c.11146G>A has been observed in an individual with some clinical features of Cohen syndrome (Yu_2013). However, this report does not provide unequivocal conclusions about association of the variant with Cohen syndrome. To our knowledge, no experimental evidence demonstrating an impact on protein function has been reported. The following publications have been ascertained in the context of this evaluation (PMID: 34573280, 23352163). ClinVar contains an entry for this variant (Variation ID: 95826). Based on the evidence outlined above, the variant was classified as likely benign.

Labcorp Genetics (formerly Invitae), Labcorp
Classification: Benign for Cohen syndrome. Last evaluated: 2026-02-02. Review status: criteria provided, single submitter. Criteria: Invitae Variant Classification Sherloc (09022015). Collection method: clinical testing. Allele origin: germline.

Ambry Genetics
Classification: Likely benign for Inborn genetic diseases. Last evaluated: 2021-11-08. Review status: criteria provided, single submitter. Criteria: Ambry Variant Classification Scheme 2023. Collection method: clinical testing. Allele origin: germline.

Cambridge Genomics Laboratory, East Genomic Laboratory Hub, NHS Genomic Medicine Service
Classification: Benign for Intellectual disability. Last evaluated: 2020-03-20. Review status: criteria provided, single submitter. Criteria: ACGS Best Practice Guidelines for Variant Classification in Rare Disease 2020. Collection method: clinical testing. Allele origin: germline. Affected: yes. Observed: 1 variant allele.

Mayo Clinic Laboratories, Mayo Clinic
Classification: Benign. Last evaluated: 2020-01-22. Review status: criteria provided, single submitter. Criteria: ACMG Guidelines, 2015. Collection method: clinical testing. Allele origin: germline. Observed: 13 variant alleles.

GeneDx
Classification: Likely benign. Last evaluated: 2018-11-30. Review status: criteria provided, single submitter. Criteria: GeneDx Variant Classification Process June 2021. Collection method: clinical testing. Allele origin: germline. Affected: yes.
Comment: This variant is associated with the following publications: (PMID: 23352163)

Genetic Services Laboratory, University of Chicago
Classification: Benign. Last evaluated: 2018-04-10. Review status: criteria provided, single submitter. Criteria: ACMG Guidelines, 2015. Collection method: clinical testing. Allele origin: germline. Affected: no.

Athena Diagnostics
Classification: Likely benign. Last evaluated: 2018-02-14. Review status: criteria provided, single submitter. Criteria: Athena Diagnostics Criteria. Collection method: clinical testing. Allele origin: germline.

Illumina Laboratory Services, Illumina
Classification: Likely benign for Cohen syndrome. Last evaluated: 2018-01-12. Review status: criteria provided, single submitter. Criteria: ICSL Variant Classification Criteria 13 December 2019. Collection method: clinical testing. Allele origin: germline.
Comment: This variant was observed in the ICSL laboratory as part of a predisposition screen in an ostensibly healthy population. It had not been previously curated by ICSL or reported in the Human Gene Mutation Database (HGMD: prior to June 1st, 2018), and was therefore a candidate for classification through an automated scoring system. Utilizing variant allele frequency, disease prevalence and penetrance estimates, and inheritance mode, an automated score was calculated to assess if this variant is too frequent to cause the disease. Based on the score and internal cut-off values, a variant classified as likely benign is not then subjected to further curation. The score for this variant resulted in a classification of likely benign for this disease.

Genomic Diagnostic Laboratory, Division of Genomic Diagnostics, Children's Hospital of Philadelphia
Classification: Likely benign. Last evaluated: 2015-11-16. Review status: criteria provided, single submitter. Criteria: DGD Variant Analysis Guidelines. Collection method: clinical testing. Allele origin: unknown.

Eurofins Ntd Llc (ga)
Classification: Benign. Last evaluated: 2014-04-15. Review status: criteria provided, single submitter. Criteria: EGL Classification Definitions 2015. Collection method: clinical testing. Allele origin: germline. Observed: 3 variant alleles, 3 heterozygotes.

Natera, Inc.
Classification: Likely benign for Cohen syndrome. Last evaluated: 2020-01-14. Review status: no assertion criteria provided. Collection method: clinical testing. Allele origin: germline. Not counted in ClinVar's aggregate classification.

PreventionGenetics, part of Exact Sciences
Classification: Likely benign for VPS13B-related condition. Last evaluated: 2019-09-12. Review status: no assertion criteria provided. Collection method: clinical testing. Allele origin: germline. Not counted in ClinVar's aggregate classification.
Comment: This variant is classified as likely benign based on ACMG/AMP sequence variant interpretation guidelines (Richards et al. 2015 PMID: 25741868, with internal and published modifications).

Clinical Genetics DNA and cytogenetics Diagnostics Lab, Erasmus MC, Erasmus Medical Center
Classification: Likely benign. Review status: no assertion criteria provided. Collection method: clinical testing. Allele origin: germline. Affected: yes. Study: VKGL Data-share Consensus. Not counted in ClinVar's aggregate classification.

Clinical Genetics, Academic Medical Center
Classification: Likely benign. Review status: no assertion criteria provided. Collection method: clinical testing. Allele origin: germline. Affected: yes. Study: VKGL Data-share Consensus. Not counted in ClinVar's aggregate classification.

Diagnostic Laboratory, Department of Genetics, University Medical Center Groningen
Classification: Likely benign. Review status: no assertion criteria provided. Collection method: clinical testing. Allele origin: germline. Affected: yes. Study: VKGL Data-share Consensus. Not counted in ClinVar's aggregate classification.

Genome Diagnostics Laboratory, University Medical Center Utrecht
Classification: Likely benign. Review status: no assertion criteria provided. Collection method: clinical testing. Allele origin: germline. Affected: yes. Study: VKGL Data-share Consensus. Not counted in ClinVar's aggregate classification.

Laboratory of Diagnostic Genome Analysis, Leiden University Medical Center (LUMC)
Classification: Likely benign. Review status: no assertion criteria provided. Collection method: clinical testing. Allele origin: germline. Affected: yes. Study: VKGL Data-share Consensus. Not counted in ClinVar's aggregate classification.

Literature cited by the submitters: PubMed 23352163 (cited by 3 submitters); PubMed 34573280 (cited by Women's Health and Genetics/Laboratory Corporation of America, LabCorp).